The following is an entry in ClinVar:

NM_001101362.3(KBTBD13):c.775C>T (p.Arg259Cys)

Gene: KBTBD13 (kelch repeat and BTB domain containing 13; plus strand). Cytogenetic location: 15q22.31.
Variant type: single nucleotide variant.
Coding change: c.775C>T on transcript NM_001101362.3 (MANE Select); coding-DNA position 775, C replaced by T.
Protein change: p.Arg259Cys; replaces arginine 259 with cysteine.
Molecular consequence: missense variant.
Genome position (GRCh38, 1-based): chr15:65,077,590, C>T. VCF-style: chr15-65077590-C-T. GRCh37 (hg19) VCF-style: chr15-65369928-C-T.
Other names: short protein forms R259C.
Identifiers: ClinVar variation 567242 (VCV000567242.11), dbSNP rs780964425, ClinGen allele CA7613976.
Genomic context (GRCh38, chr15:65,077,590, plus strand): 5'-CACGAGTTCCCCAGCCCGCACCAGCCGCGCTATGACACAGCGCTGGCCGGCTTCGACGGC[C>T]GCCTCTACGCCATCGGCGGCGAATTCCAGAGGACGCCCATCAGCTCCGTGGAGCGCTACG-3'
Protein context (NP_001094832.1, residues 249-269): YDTALAGFDG[Arg259Cys]LYAIGGEFQR

ClinVar aggregate classification (germline): Uncertain significance. Review status: criteria provided, multiple submitters, no conflicts (2 of 4 stars). 2 submissions from 2 submitters: Uncertain significance (2). Last evaluated 2025-04-07.

Conditions:
Nemaline myopathy 6 (NEM6). Also called: Nemaline myopathy 6, autosomal dominant. Identifiers: Orphanet 171439, MedGen C1836472, MONDO:0012237, OMIM 609273.

Allele frequency attached by ClinVar (database versions not stated): gnomAD 0.00001.
gnomAD v4.1: 36 of 1,569,128 alleles (0.0023%); highest among the groups gnomAD compares: Non-Finnish European, 0.0027%; no homozygotes.

Submissions (2):

Labcorp Genetics (formerly Invitae), Labcorp
Classification: Uncertain significance for Nemaline myopathy 6. Last evaluated: 2025-04-07. Review status: criteria provided, single submitter. Criteria: Invitae Variant Classification Sherloc (09022015). Collection method: clinical testing. Allele origin: germline.
Comment: This sequence change replaces arginine, which is basic and polar, with cysteine, which is neutral and slightly polar, at codon 259 of the KBTBD13 protein (p.Arg259Cys). This variant is present in population databases (rs780964425, gnomAD 0.01%). This variant has not been reported in the literature in individuals affected with KBTBD13-related conditions. ClinVar contains an entry for this variant (Variation ID: 567242). Invitae Evidence Modeling of protein sequence and biophysical properties (such as structural, functional, and spatial information, amino acid conservation, physicochemical variation, residue mobility, and thermodynamic stability) indicates that this missense variant is not expected to disrupt KBTBD13 protein function with a negative predictive value of 80%. In summary, the available evidence is currently insufficient to determine the role of this variant in disease. Therefore, it has been classified as a Variant of Uncertain Significance.

Revvity Omics, Revvity
Classification: Uncertain significance for Nemaline myopathy 6. Last evaluated: 2023-09-01. Review status: criteria provided, single submitter. Criteria: ACMG Guidelines, 2015. Collection method: clinical testing. Allele origin: germline.